The following is an entry in ClinVar:

NM_032608.7(MYO18B):c.6322C>T (p.Arg2108Ter)

Gene: MYO18B (myosin XVIIIB; plus strand). Cytogenetic location: 22q12.1.
Variant type: single nucleotide variant.
Coding change: c.6322C>T on transcript NM_032608.7 (MANE Select); coding-DNA position 6322, C replaced by T.
Protein change: p.Arg2108Ter; replaces arginine 2108 with a stop codon.
Molecular consequence: nonsense.
Genome position (GRCh38, 1-based): chr22:26,003,299, C>T. VCF-style: chr22-26003299-C-T. GRCh37 (hg19) VCF-style: chr22-26399265-C-T.
Other names: c.6325C>T, p.Arg2109Ter (NM_001318245.2); short protein forms R2108*, R2109*.
Identifiers: ClinVar variation 816785 (VCV000816785.6), dbSNP rs773193391, ClinGen allele CA10161486.

ClinVar aggregate classification (germline): Pathogenic. Review status: criteria provided, single submitter (1 of 4 stars). 2 submissions from 2 submitters: Pathogenic (1). 1 of the submissions does not count toward it. Last evaluated 2023-11-04.

Conditions:
Klippel-Feil anomaly-myopathy-facial dysmorphism syndrome. Also called: Klippel-feil syndrome 4, autosomal recessive, with nemaline myopathy and facial dysmorphism; Klippel-Feil syndrome 4, autosomal recessive, with myopathy and facial dysmorphism. Identifiers: Orphanet 447974, MedGen C4225285, MONDO:0014689, OMIM 616549.

Allele frequency attached by ClinVar (database versions not stated): ExAC 0.00001; gnomAD exomes 0.00001 and 0.00002; gnomAD 0.00002; TOPMed 0.00003.
gnomAD v4.1: 24 of 1,607,068 alleles (0.0015%); highest among the groups gnomAD compares: East Asian, 0.0067%; no homozygotes.

Submissions (2):

Labcorp Genetics (formerly Invitae), Labcorp
Classification: Pathogenic. Last evaluated: 2023-11-04. Review status: criteria provided, single submitter. Criteria: Invitae Variant Classification Sherloc (09022015). Collection method: clinical testing. Allele origin: germline.
Comment: This sequence change creates a premature translational stop signal (p.Arg2108*) in the MYO18B gene. It is expected to result in an absent or disrupted protein product. Loss-of-function variants in MYO18B are known to be pathogenic (PMID: 25748484, 32184166, 32637634). This variant is present in population databases (rs773193391, gnomAD 0.004%). This premature translational stop signal has been observed in individual(s) with clinical features of Klippel-Feil syndrome 4 (PMID: 26752647). ClinVar contains an entry for this variant (Variation ID: 816785). For these reasons, this variant has been classified as Pathogenic.

Lupski Lab, Baylor-Hopkins CMG, Baylor College of Medicine
Classification: Likely pathogenic for Klippel-Feil anomaly-myopathy-facial dysmorphism syndrome. Review status: no assertion criteria provided. Collection method: research. Allele origin: inherited. Inheritance: Autosomal recessive inheritance. Affected: yes. Observed: 3 variant alleles, 2 heterozygotes, 1 homozygote. Not counted in ClinVar's aggregate classification.

Literature cited by the submitters: PubMed 25748484 (cited by Labcorp Genetics (formerly Invitae), Labcorp); PubMed 32184166 (cited by Labcorp Genetics (formerly Invitae), Labcorp); PubMed 32637634 (cited by Labcorp Genetics (formerly Invitae), Labcorp); PubMed 26752647 (cited by Labcorp Genetics (formerly Invitae), Labcorp and Lupski Lab, Baylor-Hopkins CMG, Baylor College of Medicine).